The following is an entry in ClinVar:

NC_000012.11:g.(?_8807013)_(8807097_?)del

Gene: MFAP5 (microfibril associated protein 5; minus strand). Cytogenetic location: 12p13.31.
Variant type: Deletion.
Identifiers: ClinVar variation 1400208 (VCV001400208.5).

ClinVar aggregate classification (germline): Uncertain significance (1 of 4 stars; one submission).

Submission:

Labcorp Genetics (formerly Invitae), Labcorp
Classification: Uncertain significance. Last evaluated: 2023-11-18. Review status: criteria provided, single submitter. Criteria: Invitae Variant Classification Sherloc (09022015). Collection method: clinical testing. Allele origin: germline.
Comment: This variant is a gross deletion of the genomic region encompassing exon(s) 6 of the MFAP5 gene. This variant would be expected to be in-frame, preserving the integrity of the reading frame. A similar copy number variant has been observed in individual(s) with MFAP5-related conditions (Invitae). Experimental studies and prediction algorithms are not available or were not evaluated, and the functional significance of this variant is currently unknown. In summary, the available evidence is currently insufficient to determine the role of this variant in disease. Therefore, it has been classified as a Variant of Uncertain Significance.